The following is an entry in ClinVar:

NM_001276270.2(MBD4):c.52C>G (p.Pro18Ala)

Genes: MBD4 (methyl-CpG binding domain 4, DNA glycosylase; minus strand), LOC129937550 (ATAC-STARR-seq lymphoblastoid active region 20512; plus strand). Cytogenetic location: 3q21.3.
Variant type: single nucleotide variant.
Coding change: c.52C>G on transcript NM_001276270.2 (MANE Select); coding-DNA position 52, C replaced by G.
Protein change: p.Pro18Ala; replaces proline 18 with alanine.
Molecular consequence: missense variant.
Genome position (GRCh38, 1-based): chr3:129,439,782, G>C on the plus strand (C>G on the coding strand, the complement: MBD4 is on the minus strand). VCF-style: chr3-129439782-G-C. GRCh37 (hg19) VCF-style: chr3-129158625-G-C.
Other names: c.52C>G, p.Pro18Ala (NM_001276272.2, NM_001276273.2, NM_003925.3 and 1 more transcripts); short protein forms P18A.
Identifiers: ClinVar variation 4104608 (VCV004104608.1).
Genomic context (GRCh38, chr3:129,439,782, plus strand): 5'-TAACTTACCGGAGGTCATTCGGCGGGTCTGGGACTAGGCGCTCACTAGAGGTGACGGTGG[G>C]GGCAGCTCCGCGGTCCCCCAGACTCAGACTCTCCAGCCCAGTCGTGCCCATCGAGCAGGG-3'
Protein context (NP_001263199.1, residues 8-28): SLSLGDRGAA[Pro18Ala]TVTSSERLVP

ClinVar aggregate classification (germline): Uncertain significance (1 of 4 stars; one submission).

Conditions:
Inborn genetic diseases. Identifiers: MedGen C0950123, MeSH D030342.

gnomAD v4.1: 1 of 1,609,250 alleles (0.000062%); highest among the groups gnomAD compares: African/African-American, 0.0013%; no homozygotes.

Submission:

Ambry Genetics
Classification: Uncertain significance for Inborn genetic diseases. Last evaluated: 2025-07-07. Review status: criteria provided, single submitter. Criteria: Ambry Variant Classification Scheme 2023. Collection method: clinical testing. Allele origin: germline.
Comment: The p.P18A variant (also known as c.52C>G), located in coding exon 1 of the MBD4 gene, results from a C to G substitution at nucleotide position 52. The proline at codon 18 is replaced by alanine, an amino acid with highly similar properties. This amino acid position is conserved. In addition, this alteration is predicted to be tolerated by in silico analysis. Based on the available evidence, the clinical significance of this variant remains unclear.